The following is an entry in ClinVar:

ClinVar aggregate classification (germline): Uncertain significance. Review status: criteria provided, multiple submitters, no conflicts (2 of 4 stars). 2 submissions from 2 submitters: Uncertain significance (2). Last evaluated 2024-10-30.

Conditions:
Hereditary pheochromocytoma and paraganglioma. Also called: Hereditary pheochromocytoma-paraganglioma; Hereditary paragangliomas and pheochromocytomas; Hereditary Paraganglioma-Pheochromocytoma Syndromes. Identifiers: Orphanet 29072, MedGen C4274332, MONDO:0017366.
Hereditary cancer-predisposing syndrome. Also called: Hereditary Cancer Syndrome; Tumor predisposition; Neoplastic Syndromes, Hereditary; Hereditary neoplastic syndrome. Identifiers: Orphanet 140162, MedGen C0027672, MeSH D009386, MONDO:0015356.

Allele frequency attached by ClinVar (database versions not stated): gnomAD exomes below 0.00001; ExAC 0.00001; TOPMed 0.00001.
gnomAD v4.1: 5 of 1,614,138 alleles (0.00031%); highest among the groups gnomAD compares: Non-Finnish European, 0.00042%; no homozygotes.

Submissions (2):

Labcorp Genetics (formerly Invitae), Labcorp
Classification: Uncertain significance for Hereditary pheochromocytoma and paraganglioma. Last evaluated: 2024-10-30. Review status: criteria provided, single submitter. Criteria: Invitae Variant Classification Sherloc (09022015). Collection method: clinical testing. Allele origin: germline.
Comment: This sequence change replaces aspartic acid, which is acidic and polar, with asparagine, which is neutral and polar, at codon 87 of the MAX protein (p.Asp87Asn). This variant is present in population databases (rs758700113, gnomAD 0.0009%). This variant has not been reported in the literature in individuals affected with MAX-related conditions. ClinVar contains an entry for this variant (Variation ID: 821546). An algorithm developed to predict the effect of missense changes on protein structure and function (PolyPhen-2) suggests that this variant is likely to be tolerated. In summary, the available evidence is currently insufficient to determine the role of this variant in disease. Therefore, it has been classified as a Variant of Uncertain Significance.

Ambry Genetics
Classification: Uncertain significance for Hereditary cancer-predisposing syndrome. Last evaluated: 2024-03-04. Review status: criteria provided, single submitter. Criteria: Ambry Variant Classification Scheme 2023. Collection method: clinical testing. Allele origin: germline.
Comment: The p.D87N variant (also known as c.259G>A), located in coding exon 4 of the MAX gene, results from a G to A substitution at nucleotide position 259. The aspartic acid at codon 87 is replaced by asparagine, an amino acid with highly similar properties. This amino acid position is highly conserved in available vertebrate species. In addition, the in silico prediction for this alteration is inconclusive. Since supporting evidence is limited at this time, the clinical significance of this alteration remains unclear.

NM_002382.5(MAX):c.259G>A (p.Asp87Asn)

Gene: MAX (MYC associated transcriptional regulator X; minus strand). Cytogenetic location: 14q23.3.
Variant type: single nucleotide variant.
Coding change: c.259G>A on transcript NM_002382.5 (MANE Select); coding-DNA position 259, G replaced by A.
Protein change: p.Asp87Asn; replaces aspartic acid 87 with asparagine.
Molecular consequence: missense variant. On other transcripts: 5 prime UTR variant (1), intron variant (2).
Genome position (GRCh38, 1-based): chr14:65,077,949, C>T on the plus strand (G>A on the coding strand, the complement: MAX is on the minus strand). VCF-style: chr14-65077949-C-T. GRCh37 (hg19) VCF-style: chr14-65544667-C-T.
Other names: c.-16G>A (NM_001320415.2, NM_001407105.1, NM_001407106.1 and 1 more transcripts); c.259G>A, p.Asp87Asn (NM_001407094.1, NM_001407096.1, NM_001407097.1 and 3 more transcripts); c.232G>A, p.Asp78Asn (NM_001407095.1, NM_001407099.1, NM_001407100.1 and 6 more transcripts); c.151G>A, p.Asp51Asn (NM_001407098.1); c.-109G>A (NM_001407111.1, NM_001407112.1); c.144+15759G>A (NM_001271069.2); c.171+15759G>A (NM_197957.4); short protein forms D78N, D87N, D51N.
Identifiers: ClinVar variation 821546 (VCV000821546.15), dbSNP rs758700113, ClinGen allele CA7232909.